The following is an entry in ClinVar:

NM_014669.5(NUP93):c.2019-86T>G

Gene: NUP93 (nucleoporin 93; plus strand). Cytogenetic location: 16q13.
Variant type: single nucleotide variant.
Coding change: c.2019-86T>G on transcript NM_014669.5 (MANE Select); 86 bases into the intron before coding-DNA position 2019, T replaced by G.
Molecular consequence: intron variant.
Genome position (GRCh38, 1-based): chr16:56,838,866, T>G. VCF-style: chr16-56838866-T-G. GRCh37 (hg19) VCF-style: chr16-56872778-T-G.
Other names: c.1650-86T>G (NM_001242795.2, NM_001242796.2).
Identifiers: ClinVar variation 1707184 (VCV001707184.2), dbSNP rs111963009, ClinGen allele CA14308129.

ClinVar aggregate classification (germline): Likely benign (1 of 4 stars; one submission).

Allele frequency attached by ClinVar (database versions not stated): TOPMed 0.00476; 1000 Genomes Project 0.00559; 1000 Genomes Project 30x 0.00593; gnomAD exomes 0.00041; gnomAD 0.00419.
gnomAD v4.1: 963 of 936,516 alleles (0.1%); highest among the groups gnomAD compares: African/African-American, 1.4%; 6 homozygotes.

Submission:

GeneDx
Classification: Likely benign. Last evaluated: 2021-02-25. Review status: criteria provided, single submitter. Criteria: GeneDx Variant Classification Process June 2021. Collection method: clinical testing. Allele origin: germline. Affected: yes.
Comment: See Variant Classification Assertion Criteria.